The following is an entry in ClinVar:

NM_001039141.3(TRIOBP):c.4510A>G (p.Arg1504Gly)

Gene: TRIOBP (TRIO and F-actin binding protein; plus strand). Cytogenetic location: 22q13.1.
Variant type: single nucleotide variant.
Coding change: c.4510A>G on transcript NM_001039141.3 (MANE Select); coding-DNA position 4510, A replaced by G.
Protein change: p.Arg1504Gly; replaces arginine 1504 with glycine.
Molecular consequence: missense variant.
Genome position (GRCh38, 1-based): chr22:37,734,846, A>G. VCF-style: chr22-37734846-A-G. GRCh37 (hg19) VCF-style: chr22-38130853-A-G.
Other names: short protein forms R1504G.
Identifiers: ClinVar variation 731860 (VCV000731860.14), dbSNP rs374991119, ClinGen allele CA10224397.
Genomic context (GRCh38, chr22:37,734,846, plus strand): 5'-TACAAGGAGAGCTGGGGGCAGCCAGAGGCCTGGGAGGAGAAGCCCACTCATGAGCTCCCC[A>G]GAGAACTAGGAAAGAGAAGCCCACTCACGAGCCCCCCTGAGAACTGGGGAGGCCCCGCAG-3'
Protein context (NP_001034230.1, residues 1494-1514): WEEKPTHELP[Arg1504Gly]ELGKRSPLTS

ClinVar aggregate classification (germline): Likely benign. Review status: criteria provided, multiple submitters, no conflicts (2 of 4 stars). 4 submissions from 4 submitters: Likely benign (3). 1 of the submissions does not count toward it. Last evaluated 2026-02-02.

Conditions:
TRIOBP-related disorder. Also called: TRIOBP-related condition.

Allele frequency attached by ClinVar (database versions not stated): gnomAD exomes 0.00018 and 0.00079; gnomAD 0.00022 and 0.00034; TOPMed 0.00032; ExAC 0.00075; 1000 Genomes Project 30x 0.00172; 1000 Genomes Project 0.00200.
gnomAD v4.1: 318 of 1,612,822 alleles (0.02%); highest among the groups gnomAD compares: East Asian, 0.54%; no homozygotes.

Submissions (4):

Labcorp Genetics (formerly Invitae), Labcorp
Classification: Likely benign. Last evaluated: 2026-02-02. Review status: criteria provided, single submitter. Criteria: Invitae Variant Classification Sherloc (09022015). Collection method: clinical testing. Allele origin: germline.

Blueprint Genetics
Classification: Likely benign. Last evaluated: 2023-10-18. Review status: criteria provided, single submitter. Criteria: ACMG Guidelines, 2015. Collection method: clinical testing. Allele origin: germline.

GeneDx
Classification: Likely benign. Last evaluated: 2021-06-25. Review status: criteria provided, single submitter. Criteria: GeneDx Variant Classification Process June 2021. Collection method: clinical testing. Allele origin: germline. Affected: yes.

PreventionGenetics, part of Exact Sciences
Classification: Benign for TRIOBP-related condition. Last evaluated: 2020-03-27. Review status: no assertion criteria provided. Collection method: clinical testing. Allele origin: germline. Not counted in ClinVar's aggregate classification.
Comment: This variant is classified as benign based on ACMG/AMP sequence variant interpretation guidelines (Richards et al. 2015 PMID: 25741868, with internal and published modifications).